The following is an entry in ClinVar:

ClinVar aggregate classification (germline): Uncertain significance (1 of 4 stars; one submission).

Conditions:
Chédiak-Higashi syndrome (CHS). Also called: Chediak-Higashi Syndrome. Identifiers: Orphanet 167, MedGen C0007965, MONDO:0008963, OMIM 214500.

Allele frequency attached by ClinVar (database versions not stated): gnomAD exomes below 0.00001; gnomAD 0.00001.
gnomAD v4.1: 3 of 1,596,792 alleles (0.00019%); highest among the groups gnomAD compares: African/African-American, 0.0013%; no homozygotes.

Submission:

Labcorp Genetics (formerly Invitae), Labcorp
Classification: Uncertain significance for Chédiak-Higashi syndrome. Last evaluated: 2024-03-01. Review status: criteria provided, single submitter. Criteria: Invitae Variant Classification Sherloc (09022015). Collection method: clinical testing. Allele origin: germline.
Comment: This sequence change replaces valine, which is neutral and non-polar, with alanine, which is neutral and non-polar, at codon 2856 of the LYST protein (p.Val2856Ala). This variant is not present in population databases (gnomAD no frequency). This variant has not been reported in the literature in individuals affected with LYST-related conditions. ClinVar contains an entry for this variant (Variation ID: 2008977). Advanced modeling of protein sequence and biophysical properties (such as structural, functional, and spatial information, amino acid conservation, physicochemical variation, residue mobility, and thermodynamic stability) performed at Invitae indicates that this missense variant is not expected to disrupt LYST protein function with a negative predictive value of 80%. In summary, the available evidence is currently insufficient to determine the role of this variant in disease. Therefore, it has been classified as a Variant of Uncertain Significance.

NM_000081.4(LYST):c.8567T>C (p.Val2856Ala)

Gene: LYST (lysosomal trafficking regulator; minus strand). Cytogenetic location: 1q42.3.
Variant type: single nucleotide variant.
Coding change: c.8567T>C on transcript NM_000081.4 (MANE Select); coding-DNA position 8567, T replaced by C.
Protein change: p.Val2856Ala; replaces valine 2856 with alanine.
Molecular consequence: missense variant.
Genome position (GRCh38, 1-based): chr1:235,733,875, A>G on the plus strand (T>C on the coding strand, the complement: LYST is on the minus strand). VCF-style: chr1-235733875-A-G. GRCh37 (hg19) VCF-style: chr1-235897175-A-G.
Other names: c.8567T>C, p.Val2856Ala (NM_001301365.1); short protein forms V2856A.
Identifiers: ClinVar variation 2008977 (VCV002008977.4), dbSNP rs1664592485, ClinGen allele CA344920703.